The following is an entry in ClinVar:

NM_201548.5(CERKL):c.641C>T (p.Ser214Leu)

Gene: CERKL (CERK like autophagy regulator; minus strand). Cytogenetic location: 2q31.3.
Variant type: single nucleotide variant.
Coding change: c.641C>T on transcript NM_201548.5 (MANE Select); coding-DNA position 641, C replaced by T.
Protein change: p.Ser214Leu; replaces serine 214 with leucine.
Molecular consequence: missense variant. On other transcripts: intron variant (2).
Genome position (GRCh38, 1-based): chr2:181,566,094, G>A on the plus strand (C>T on the coding strand, the complement: CERKL is on the minus strand). VCF-style: chr2-181566094-G-A. GRCh37 (hg19) VCF-style: chr2-182430821-G-A.
Other names: c.641C>T, p.Ser214Leu (NM_001030311.3); c.509C>T, p.Ser170Leu (NM_001160277.2); c.482-16386C>T (NM_001030312.3); c.613+7659C>T (NM_001030313.3); short protein forms S170L, S214L.
Identifiers: ClinVar variation 1017303 (VCV001017303.8), dbSNP rs1688654509, ClinGen allele CA349743053.

ClinVar aggregate classification (germline): Uncertain significance (1 of 4 stars; one submission).

Allele frequency attached by ClinVar (database versions not stated): TOPMed below 0.00001.

Submission:

Labcorp Genetics (formerly Invitae), Labcorp
Classification: Uncertain significance. Last evaluated: 2020-10-09. Review status: criteria provided, single submitter. Criteria: Invitae Variant Classification Sherloc (09022015). Collection method: clinical testing. Allele origin: germline.
Comment: This variant has not been reported in the literature in individuals with CERKL-related conditions. Algorithms developed to predict the effect of missense changes on protein structure and function are either unavailable or do not agree on the potential impact of this missense change (SIFT: "Tolerated"; PolyPhen-2: "Possibly Damaging"; Align-GVGD: "Class C0"). In summary, the available evidence is currently insufficient to determine the role of this variant in disease. Therefore, it has been classified as a Variant of Uncertain Significance. This sequence change replaces serine with leucine at codon 214 of the CERKL protein (p.Ser214Leu). The serine residue is moderately conserved and there is a large physicochemical difference between serine and leucine. This variant is not present in population databases (ExAC no frequency).